The following is an entry in ClinVar:

NM_002230.4(JUP):c.1243C>G (p.Leu415Val)

Gene: JUP (junction plakoglobin; minus strand). Cytogenetic location: 17q21.2.
Variant type: single nucleotide variant.
Coding change: c.1243C>G on transcript NM_002230.4 (MANE Select); coding-DNA position 1243, C replaced by G.
Protein change: p.Leu415Val; replaces leucine 415 with valine.
Molecular consequence: missense variant.
Genome position (GRCh38, 1-based): chr17:41,763,237, G>C on the plus strand (C>G on the coding strand, the complement: JUP is on the minus strand). VCF-style: chr17-41763237-G-C. GRCh37 (hg19) VCF-style: chr17-39919489-G-C.
Other names: c.1243C>G, p.Leu415Val (NM_001352773.2, NM_001352774.2, NM_001352775.2 and 3 more transcripts); short protein forms L415V.
Identifiers: ClinVar variation 3761287 (VCV003761287.3).

ClinVar aggregate classification (germline): Uncertain significance. Review status: criteria provided, multiple submitters, no conflicts (2 of 4 stars). 2 submissions from 2 submitters: Uncertain significance (2). Last evaluated 2025-01-16.

Conditions:
Arrhythmogenic right ventricular dysplasia 12. Also called: ARRHYTHMOGENIC RIGHT VENTRICULAR DYSPLASIA, FAMILIAL, 12. Identifiers: MedGen C1969081, MONDO:0012684, OMIM 611528.
Naxos disease (NXD). Also called: CARDIOMYOPATHY, ARRHYTHMOGENIC RIGHT VENTRICULAR, WITH SKIN, HAIR, AND NAIL ABNORMALITIES; PALMOPLANTAR KERATODERMA WITH ARRHYTHMOGENIC RIGHT VENTRICULAR CARDIOMYOPATHY AND WOOLLY HAIR; WOOLLY HAIR, PALMOPLANTAR KERATODERMA, AND CARDIAC ABNORMALITIES; KERATOSIS PALMOPLANTARIS WITH ARRHYTHMOGENIC CARDIOMYOPATHY; MAL DE NAXOS. Identifiers: Orphanet 34217, MedGen C1832600, MONDO:0011017, OMIM 601214.

gnomAD v4.1: 3 of 1,614,074 alleles (0.00019%); highest among the groups gnomAD compares: Non-Finnish European, 0.00025%; no homozygotes.

Submissions (2):

Labcorp Genetics (formerly Invitae), Labcorp
Classification: Uncertain significance for Arrhythmogenic right ventricular dysplasia 12; Naxos disease. Last evaluated: 2025-01-16. Review status: criteria provided, single submitter. Criteria: Invitae Variant Classification Sherloc (09022015). Collection method: clinical testing. Allele origin: germline.
Comment: This sequence change replaces leucine, which is neutral and non-polar, with valine, which is neutral and non-polar, at codon 415 of the JUP protein (p.Leu415Val). This variant is not present in population databases (gnomAD no frequency). This variant has not been reported in the literature in individuals affected with JUP-related conditions. An algorithm developed to predict the effect of missense changes on protein structure and function (PolyPhen-2) suggests that this variant is likely to be disruptive. In summary, the available evidence is currently insufficient to determine the role of this variant in disease. Therefore, it has been classified as a Variant of Uncertain Significance.

Blueprint Genetics
Classification: Uncertain significance. Last evaluated: 2023-01-04. Review status: criteria provided, single submitter. Criteria: ACMG Guidelines, 2015. Collection method: clinical testing. Allele origin: germline.